The following is an entry in ClinVar:

ClinVar aggregate classification (germline): Likely benign (1 of 4 stars; one submission).

Allele frequency attached by ClinVar (database versions not stated): TOPMed 0.00006; ExAC 0.00007; gnomAD exomes 0.00008; gnomAD 0.00009; ESP Exome Variant Server 0.00015; 1000 Genomes Project 0.00020; 1000 Genomes Project 30x 0.00031.
gnomAD v4.1: 127 of 1,614,124 alleles (0.0079%); highest among the groups gnomAD compares: Non-Finnish European, 0.01%; no homozygotes.

Submission:

CeGaT Center for Human Genetics Tuebingen
Classification: Likely benign. Last evaluated: 2022-11-01. Review status: criteria provided, single submitter. Criteria: CeGaT Center For Human Genetics Tuebingen Variant Classification Criteria Version 2. Collection method: clinical testing. Allele origin: germline. Affected: yes. Observed: 1 variant allele.
Comment: NOS2: BP4, BP7

NM_000625.4(NOS2):c.300T>C (p.Leu100=)

Gene: NOS2 (nitric oxide synthase 2; minus strand). Cytogenetic location: 17q11.2.
Variant type: single nucleotide variant.
Coding change: c.300T>C on transcript NM_000625.4 (MANE Select); coding-DNA position 300, T replaced by C.
Protein change: p.Leu100=; no amino-acid change (leucine 100 retained).
Molecular consequence: synonymous variant.
Genome position (GRCh38, 1-based): chr17:27,788,827, A>G on the plus strand (T>C on the coding strand, the complement: NOS2 is on the minus strand). VCF-style: chr17-27788827-A-G. GRCh37 (hg19) VCF-style: chr17-26115853-A-G.
Identifiers: ClinVar variation 2647578 (VCV002647578.24), dbSNP rs142350864, ClinGen allele CA8455102.
Genomic context (GRCh38, chr17:27,788,827, plus strand): 5'-AGCTTGGGACAAAGGTGGTTCTCCCTGAAGCCCCAGACTTACCCCTTTGGCCTTATGGTG[A>G]AGTGTGTCTTGGAAAGTCATCCCGCTGCCCCAGTTTTTGATCCTCACATGCCGTGGGGAG-3'
Protein context (NP_000616.3, residues 90-110): WGSGMTFQDT[Leu100=]HHKAKGILTC